The following is an entry in ClinVar:

ClinVar aggregate classification (germline): Uncertain significance (1 of 4 stars; one submission).

Conditions:
Gastrointestinal stromal tumor. Also called: Gastrointestinal stroma tumor; Gastrointestinal stromal tumor, somatic. Identifiers: Orphanet 44890, MedGen C0238198, MeSH D046152, MONDO:0011719, OMIM 606764, HP:0100723.

Submission:

Labcorp Genetics (formerly Invitae), Labcorp
Classification: Uncertain significance for Gastrointestinal stromal tumor. Last evaluated: 2022-06-09. Review status: criteria provided, single submitter. Criteria: Invitae Variant Classification Sherloc (09022015). Collection method: clinical testing. Allele origin: germline.
Comment: In summary, the available evidence is currently insufficient to determine the role of this variant in disease. Therefore, it has been classified as a Variant of Uncertain Significance. Algorithms developed to predict the effect of missense changes on protein structure and function (SIFT, PolyPhen-2, Align-GVGD) all suggest that this variant is likely to be tolerated. ClinVar contains an entry for this variant (Variation ID: 528562). This variant has not been reported in the literature in individuals affected with PDGFRA-related conditions. This variant is not present in population databases (gnomAD no frequency). This sequence change replaces aspartic acid, which is acidic and polar, with glutamic acid, which is acidic and polar, at codon 1082 of the PDGFRA protein (p.Asp1082Glu).

NM_006206.6(PDGFRA):c.3246C>A (p.Asp1082Glu)

Gene: PDGFRA (platelet derived growth factor receptor alpha; plus strand). Cytogenetic location: 4q12.
Variant type: single nucleotide variant.
Coding change: c.3246C>A on transcript NM_006206.6 (MANE Select); coding-DNA position 3246, C replaced by A.
Protein change: p.Asp1082Glu; replaces aspartic acid 1082 with glutamic acid.
Molecular consequence: missense variant.
Genome position (GRCh38, 1-based): chr4:54,295,248, C>A. VCF-style: chr4-54295248-C-A. GRCh37 (hg19) VCF-style: chr4-55161415-C-A.
Other names: c.3321C>A, p.Asp1107Glu (NM_001347828.2); c.3246C>A, p.Asp1082Glu (NM_001347829.2); c.3285C>A, p.Asp1095Glu (NM_001347830.2); short protein forms D1082E, D1095E, D1107E.
Identifiers: ClinVar variation 528562 (VCV000528562.9), dbSNP rs756955630, ClinGen allele CA356896713.